The following is an entry in ClinVar:

NM_001384732.1(CPLANE1):c.608A>G (p.Tyr203Cys)

Gene: CPLANE1 (ciliogenesis and planar polarity effector complex subunit 1; minus strand). Cytogenetic location: 5p13.2.
Variant type: single nucleotide variant.
Coding change: c.608A>G on transcript NM_001384732.1 (MANE Select); coding-DNA position 608, A replaced by G.
Protein change: p.Tyr203Cys; replaces tyrosine 203 with cysteine.
Molecular consequence: missense variant.
Genome position (GRCh38, 1-based): chr5:37,243,082, T>C on the plus strand (A>G on the coding strand, the complement: CPLANE1 is on the minus strand). VCF-style: chr5-37243082-T-C. GRCh37 (hg19) VCF-style: chr5-37243184-T-C.
Other names: c.608A>G, p.Tyr203Cys (NM_023073.4); short protein forms Y203C.
Identifiers: ClinVar variation 288541 (VCV000288541.22), dbSNP rs144969169, ClinGen allele CA3239172.

ClinVar aggregate classification (germline): Conflicting classifications of pathogenicity. Review status: criteria provided, conflicting classifications (1 of 4 stars). 7 submissions from 7 submitters: Uncertain significance (4); Benign (1); Likely benign (1). 1 of the submissions does not count toward it. Last evaluated 2026-01-06.

Conditions:
Inborn genetic diseases. Identifiers: MedGen C0950123, MeSH D030342.
Joubert syndrome 17 (JBTS17). Identifiers: Orphanet 475, MedGen C3553264, MONDO:0013824, OMIM 614615.

Allele frequency attached by ClinVar (database versions not stated): 1000 Genomes Project 0.00060; 1000 Genomes Project 30x 0.00062; gnomAD 0.00009 and 0.00016; TOPMed 0.00013; ExAC 0.00014; gnomAD exomes 0.00023 and 0.00028.
gnomAD v4.1: 335 of 1,547,682 alleles (0.022%); highest among the groups gnomAD compares: East Asian, 0.72%; no homozygotes.

Submissions (7):

Labcorp Genetics (formerly Invitae), Labcorp
Classification: Likely benign. Last evaluated: 2026-01-06. Review status: criteria provided, single submitter. Criteria: Invitae Variant Classification Sherloc (09022015). Collection method: clinical testing. Allele origin: germline.

Blueprint Genetics
Classification: Benign. Last evaluated: 2024-07-30. Review status: criteria provided, single submitter. Criteria: ACMG Guidelines, 2015. Collection method: clinical testing. Allele origin: germline.

GeneDx
Classification: Uncertain significance. Last evaluated: 2022-10-27. Review status: criteria provided, single submitter. Criteria: GeneDx Variant Classification Process June 2021. Collection method: clinical testing. Allele origin: germline. Affected: yes.
Comment: In silico analysis supports that this missense variant has a deleterious effect on protein structure/function; Identified in a fetus with transposition of the great arteries and pulmonary stenosis, but additional clinical information and zygosity information was not provided (Xu et al., 2018); This variant is associated with the following publications: (PMID: 31949757, 25668207)

Ambry Genetics
Classification: Uncertain significance for Inborn genetic diseases. Last evaluated: 2020-12-10. Review status: criteria provided, single submitter. Criteria: Ambry Variant Classification Scheme 2023. Collection method: clinical testing. Allele origin: germline.
Comment: The c.608A>G (p.Y203C) alteration is located in exon 6 (coding exon 5) of the C5orf42 gene. This alteration results from a A to G substitution at nucleotide position 608, causing the tyrosine (Y) at amino acid position 203 to be replaced by a cysteine (C). The p.Y203C alteration is predicted to be tolerated by in silico analysis. Based on insufficient or conflicting evidence, the clinical significance of this alteration remains unclear.

Illumina Laboratory Services, Illumina
Classification: Uncertain significance for Joubert syndrome 17. Last evaluated: 2018-01-12. Review status: criteria provided, single submitter. Criteria: ICSL Variant Classification Criteria 13 December 2019. Collection method: clinical testing. Allele origin: germline.

Eurofins Ntd Llc (ga)
Classification: Uncertain significance. Last evaluated: 2016-06-22. Review status: criteria provided, single submitter. Criteria: EGL Classification Definitions 2015. Collection method: clinical testing. Allele origin: germline. Observed: 1 variant allele, 1 heterozygote.

Developmental and Behavioral Pediatrics, First Affiliated Hospital of Jilin University
Classification: Uncertain significance for Joubert syndrome 17. Review status: no assertion criteria provided. Collection method: clinical testing. Allele origin: paternal. Not counted in ClinVar's aggregate classification.